The following is an entry in ClinVar:

NM_003151.4(STAT4):c.63C>A (p.Phe21Leu)

Gene: STAT4 (signal transducer and activator of transcription 4; minus strand). Cytogenetic location: 2q32.3.
Variant type: single nucleotide variant.
Coding change: c.63C>A on transcript NM_003151.4 (MANE Select); coding-DNA position 63, C replaced by A.
Protein change: p.Phe21Leu; replaces phenylalanine 21 with leucine.
Molecular consequence: missense variant.
Genome position (GRCh38, 1-based): chr2:191,148,141, G>T on the plus strand (C>A on the coding strand, the complement: STAT4 is on the minus strand). VCF-style: chr2-191148141-G-T. GRCh37 (hg19) VCF-style: chr2-192012867-G-T.
Other names: c.63C>A, p.Phe21Leu (NM_001243835.2); short protein forms F21L.
Identifiers: ClinVar variation 2865983 (VCV002865983.3), dbSNP rs1418758324, ClinGen allele CA350002877.

ClinVar aggregate classification (germline): Uncertain significance (1 of 4 stars; one submission).

gnomAD v4.1: 2 of 1,613,944 alleles (0.00012%); highest among the groups gnomAD compares: Admixed American, 0.0033%; no homozygotes.

Submission:

Labcorp Genetics (formerly Invitae), Labcorp
Classification: Uncertain significance. Last evaluated: 2023-06-01. Review status: criteria provided, single submitter. Criteria: Invitae Variant Classification Sherloc (09022015). Collection method: clinical testing. Allele origin: germline.
Comment: This sequence change replaces phenylalanine, which is neutral and non-polar, with leucine, which is neutral and non-polar, at codon 21 of the STAT4 protein (p.Phe21Leu). This variant is present in population databases (no rsID available, gnomAD 0.003%). This variant has not been reported in the literature in individuals affected with STAT4-related conditions. An algorithm developed to predict the effect of missense changes on protein structure and function (PolyPhen-2) suggests that this variant is likely to be tolerated. In summary, the available evidence is currently insufficient to determine the role of this variant in disease. Therefore, it has been classified as a Variant of Uncertain Significance.